The following is an entry in ClinVar:

NM_201596.3(CACNB2):c.120+329T>G

Gene: CACNB2 (calcium voltage-gated channel auxiliary subunit beta 2; plus strand). Cytogenetic location: 10p12.33.
Variant type: single nucleotide variant.
Coding change: c.120+329T>G on transcript NM_201596.3 (MANE Select); 329 bases into the intron after coding-DNA position 120, T replaced by G.
Molecular consequence: intron variant. On other transcripts: missense variant (3).
Genome position (GRCh38, 1-based): chr10:18,141,185, T>G. VCF-style: chr10-18141185-T-G. GRCh37 (hg19) VCF-style: chr10-18430114-T-G.
Other names: c.6T>G, p.Asn2Lys (NM_001167945.2, NM_201571.4, NM_201572.4); c.120+329T>G (NM_201593.3, NM_201597.3); short protein forms N2K.
Identifiers: ClinVar variation 4986378 (VCV004986378.1).
Genomic context (GRCh38, chr10:18,141,185, plus strand): 5'-GGGTTGCTCCAGCTGGCCCTCCTCGCCCCTTCCCGGGAGAGGCACATGGAGAGACATGAA[T>G]CAGGGGAGTGGACTGGACCTGCTGAAGATCGTGAGTCCGGGTGGGCGGGAGGGGGCCCGC-3'

ClinVar aggregate classification (germline): Uncertain significance (1 of 4 stars; one submission).

Conditions:
CACNB2-related disorder. Also called: CACNB2-related condition.

gnomAD v4.1: 12 of 1,340,686 alleles (0.0009%); highest among the groups gnomAD compares: Non-Finnish European, 0.0011%; no homozygotes.

Submission:

PreventionGenetics, part of Exact Sciences
Classification: Uncertain significance for CACNB2-related condition. Last evaluated: 2026-07-14. Review status: criteria provided, single submitter. Criteria: ACMG Guidelines, 2015. Collection method: clinical testing. Allele origin: germline.
Comment: The CACNB2 c.6T>G variant is predicted to result in the amino acid substitution p.Asn2Lys. To our knowledge, this variant has not been reported in the literature or in a large population database (gnomAD), indicating this variant is rare. At this time, the clinical significance of this variant is uncertain due to the absence of conclusive functional and genetic evidence.